The following is an entry in ClinVar:

NM_001458.5(FLNC):c.970G>A (p.Ala324Thr)

Gene: FLNC (filamin C; plus strand). Cytogenetic location: 7q32.1.
Variant type: single nucleotide variant.
Coding change: c.970G>A on transcript NM_001458.5 (MANE Select); coding-DNA position 970, G replaced by A.
Protein change: p.Ala324Thr; replaces alanine 324 with threonine.
Molecular consequence: missense variant.
Genome position (GRCh38, 1-based): chr7:128,837,987, G>A. VCF-style: chr7-128837987-G-A. GRCh37 (hg19) VCF-style: chr7-128478041-G-A.
Other names: c.970G>A, p.Ala324Thr (NM_001127487.2); short protein forms A324T.
Identifiers: ClinVar variation 2930464 (VCV002930464.4), dbSNP rs750577694, ClinGen allele CA4474189.

ClinVar aggregate classification (germline): Uncertain significance. Review status: criteria provided, multiple submitters, no conflicts (2 of 4 stars). 2 submissions from 2 submitters: Uncertain significance (2). Last evaluated 2026-04-17.

Conditions:
Distal myopathy with posterior leg and anterior hand involvement. Also called: WILLIAMS DISTAL MYOPATHY. Identifiers: Orphanet 63273, MedGen C3279722, MONDO:0013550, OMIM 614065.
Hypertrophic cardiomyopathy 26. Also called: Cardiomyopathy, familial hypertrophic, 26. Identifiers: Orphanet 75249, MedGen C4310749, MONDO:0014883, OMIM 617047.
Myofibrillar myopathy 5. Also called: Filaminopathy (type); FILAMINOPATHY, AUTOSOMAL DOMINANT. Identifiers: Orphanet 171445, MedGen C1836050, MONDO:0012289, OMIM 609524.

Allele frequency attached by ClinVar (database versions not stated): ExAC 0.00001.

Submissions (2):

Women's Health and Genetics/Laboratory Corporation of America, LabCorp
Classification: Uncertain significance. Last evaluated: 2026-04-17. Review status: criteria provided, single submitter. Criteria: LabCorp Variant Classification Summary - May 2015. Collection method: clinical testing. Allele origin: germline.
Comment: Variant summary: FLNC c.970G>A (p.Ala324Thr) results in a non-conservative amino acid change in the encoded protein sequence. Algorithms developed to predict the effect of missense changes on protein structure and function all suggest that this variant is likely to be disruptive. Consensus agreement among computation tools predict no significant impact on normal splicing. However, these predictions have yet to be confirmed by functional studies. The variant allele was found at a frequency of 4e-06 in 249322 control chromosomes. The available data on variant occurrences in the general population are insufficient to allow any conclusion about variant significance. To our knowledge, no occurrence of c.970G>A in individuals affected with FLNC-related conditions and no experimental evidence demonstrating its impact on protein function have been reported. ClinVar contains an entry for this variant (Variation ID: 2930464). Based on the evidence outlined above, the variant was classified as uncertain significance.

Labcorp Genetics (formerly Invitae), Labcorp
Classification: Uncertain significance for Distal myopathy with posterior leg and anterior hand involvement; Myofibrillar myopathy 5; Hypertrophic cardiomyopathy 26. Last evaluated: 2025-12-15. Review status: criteria provided, single submitter. Criteria: Invitae Variant Classification Sherloc (09022015). Collection method: clinical testing. Allele origin: germline.
Comment: This sequence change replaces alanine, which is neutral and non-polar, with threonine, which is neutral and polar, at codon 324 of the FLNC protein (p.Ala324Thr). This variant is present in population databases (rs750577694, gnomAD 0.006%). This variant has not been reported in the literature in individuals affected with FLNC-related conditions. ClinVar contains an entry for this variant (Variation ID: 2930464). An algorithm developed to predict the effect of missense changes on protein structure and function (PolyPhen-2) suggests that this variant is likely to be disruptive. In summary, the available evidence is currently insufficient to determine the role of this variant in disease. Therefore, it has been classified as a Variant of Uncertain Significance.